The following is an entry in ClinVar:

ClinVar aggregate classification (germline): Likely benign (0 of 4 stars; one submission).

Conditions:
RNF213-related disorder. Also called: RNF213-related condition.

Allele frequency attached by ClinVar (database versions not stated): gnomAD exomes 0.00013; ExAC 0.00018; ESP Exome Variant Server 0.00031; gnomAD 0.00051; TOPMed 0.00055; 1000 Genomes Project 30x 0.00062; 1000 Genomes Project 0.00080.
gnomAD v4.1: 280 of 1,614,180 alleles (0.017%); highest among the groups gnomAD compares: African/African-American, 0.17%; no homozygotes.

Submission:

PreventionGenetics, part of Exact Sciences
Classification: Likely benign for RNF213-related condition. Last evaluated: 2019-09-17. Review status: no assertion criteria provided. Collection method: clinical testing. Allele origin: germline.
Comment: This variant is classified as likely benign based on ACMG/AMP sequence variant interpretation guidelines (Richards et al. 2015 PMID: 25741868, with internal and published modifications).

NM_001256071.3(RNF213):c.7419C>T (p.Ala2473=)

Gene: RNF213 (ring finger protein 213; plus strand). Cytogenetic location: 17q25.3.
Variant type: single nucleotide variant.
Coding change: c.7419C>T on transcript NM_001256071.3 (MANE Select); coding-DNA position 7419, C replaced by T.
Protein change: p.Ala2473=; no amino-acid change (alanine 2473 retained).
Molecular consequence: synonymous variant.
Genome position (GRCh38, 1-based): chr17:80,345,754, C>T. VCF-style: chr17-80345754-C-T. GRCh37 (hg19) VCF-style: chr17-78319554-C-T.
Other names: c.7566C>T, p.Ala2522= (NM_001410195.1, NM_020914.5).
Identifiers: ClinVar variation 3040541 (VCV003040541.2), dbSNP rs139873121, ClinGen allele CA8820746.
Genomic context (GRCh38, chr17:80,345,754, plus strand): 5'-AGGAACAACTGCAGACATGATCTACTCCAGAGTCAGGGAGGCTGAAAATGTGGCCTTCGC[C>T]AATAAGGACCAACATCAGTTGGACACCATCTTGTTTTTTGATGAAGCCAACACAACGGAA-3'
Protein context (NP_001243000.2, residues 2463-2483): RVREAENVAF[Ala2473=]NKDQHQLDTI